The following is an entry in ClinVar:

NM_003482.4(KMT2D):c.370C>T (p.Leu124Phe)

Gene: KMT2D (lysine methyltransferase 2D; minus strand). Cytogenetic location: 12q13.12.
Variant type: single nucleotide variant.
Coding change: c.370C>T on transcript NM_003482.4 (MANE Select); coding-DNA position 370, C replaced by T.
Protein change: p.Leu124Phe; replaces leucine 124 with phenylalanine.
Molecular consequence: missense variant.
Genome position (GRCh38, 1-based): chr12:49,054,558, G>A on the plus strand (C>T on the coding strand, the complement: KMT2D is on the minus strand). VCF-style: chr12-49054558-G-A. GRCh37 (hg19) VCF-style: chr12-49448341-G-A.
Other names: short protein forms L124F.
Identifiers: ClinVar variation 1805824 (VCV001805824.1), dbSNP rs1383404031, ClinGen allele CA384688031.
Genomic context (GRCh38, chr12:49,054,558, plus strand): 5'-CCCATTTCCTGCCCCATTCTCCTCACTCACCTCCAGGTTCTCCTAGGTGGGCAGGTGTAA[G>A]GCCCTCAGGGAAACCAATCTGTGATAGGTCCTCACTGGGCAGCACTGCCTCATTGGGCCC-3'
Protein context (NP_003473.3, residues 114-134): DLSQIGFPEG[Leu124Phe]TPAHLGEPGG

ClinVar aggregate classification (germline): Uncertain significance (1 of 4 stars; one submission).

Conditions:
Kabuki syndrome 1 (KABUK1). Also called: KMT2D-Related Kabuki Syndrome. Identifiers: Orphanet 2322, MedGen CN030661, MONDO:0007843, OMIM 147920.

Allele frequency attached by ClinVar (database versions not stated): gnomAD exomes below 0.00001.

Submission:

Victorian Clinical Genetics Services, Murdoch Childrens Research Institute
Classification: Uncertain significance for Kabuki syndrome 1. Last evaluated: 2020-05-26. Review status: criteria provided, single submitter. Criteria: ACMG Guidelines, 2015. Collection method: clinical testing. Allele origin: germline. Inheritance: Autosomal dominant inheritance. Affected: yes.
Comment: Based on the classification scheme VCGS_Germline_v1.1.1, this variant is classified as 3C-VUS. Following criteria are met: 0102 - Loss-of-function is a known mechanism of disease for this gene. (N) 0107 - This gene is known to be associated with autosomal dominant disease. (N) 0200 - Variant is predicted to result in a missense amino acid change from leucine to phenylalanine (exon 3). (N) 0251 - Variant is heterozygous. (N) 0301 - Variant is absent from gnomAD. (P) 0503 - Missense variant consistently predicted to be tolerated or not conserved in mammals with a minor amino acid change. (B) 0600 - Variant is located in an annotated domain or motif (zinc finger region; PDB). (N) 0705 - No comparable variants have previous evidence for pathogenicity. (N) 0807 - Variant has not previously been reported in a clinical context. (N) 0905 - No segregation evidence has been identified for this variant. (N) 1007 - No published functional evidence has been identified for this variant. (N) 1208 - Inheritance information for this variant is not currently available. (N) Legend: (P) - Pathogenic, (N) - Neutral, (B) - Benign